The following is an entry in ClinVar:

ClinVar aggregate classification (germline): Uncertain significance (1 of 4 stars; one submission).

Allele frequency attached by ClinVar (database versions not stated): gnomAD exomes below 0.00001.
gnomAD v4.1: 2 of 1,597,778 alleles (0.00013%); highest among the groups gnomAD compares: East Asian, 0.0022%; no homozygotes.

Submission:

Labcorp Genetics (formerly Invitae), Labcorp
Classification: Uncertain significance. Last evaluated: 2021-09-15. Review status: criteria provided, single submitter. Criteria: Invitae Variant Classification Sherloc (09022015). Collection method: clinical testing. Allele origin: germline.
Comment: This sequence change replaces proline with leucine at codon 25 of the ASAH1 protein (p.Pro25Leu). The proline residue is moderately conserved and there is a moderate physicochemical difference between proline and leucine. This variant is not present in population databases (ExAC no frequency). This variant has not been reported in the literature in individuals affected with ASAH1-related conditions. Algorithms developed to predict the effect of missense changes on protein structure and function are either unavailable or do not agree on the potential impact of this missense change (SIFT: "Tolerated"; PolyPhen-2: "Possibly Damaging"; Align-GVGD: "Class C0"). In summary, the available evidence is currently insufficient to determine the role of this variant in disease. Therefore, it has been classified as a Variant of Uncertain Significance.

NM_177924.5(ASAH1):c.74C>T (p.Pro25Leu)

Gene: ASAH1 (N-acylsphingosine amidohydrolase 1; minus strand). Cytogenetic location: 8p22.
Variant type: single nucleotide variant.
Coding change: c.74C>T on transcript NM_177924.5 (MANE Select); coding-DNA position 74, C replaced by T.
Protein change: p.Pro25Leu; replaces proline 25 with leucine.
Molecular consequence: missense variant. On other transcripts: intron variant (2).
Genome position (GRCh38, 1-based): chr8:18,083,985, G>A on the plus strand (C>T on the coding strand, the complement: ASAH1 is on the minus strand). VCF-style: chr8-18083985-G-A. GRCh37 (hg19) VCF-style: chr8-17941494-G-A.
Other names: c.126+691C>T (NM_004315.6, NM_001127505.3); short protein forms P25L.
Identifiers: ClinVar variation 1428874 (VCV001428874.3), dbSNP rs1478457972, ClinGen allele CA370435703.
Genomic context (GRCh38, chr8:18,083,985, plus strand): 5'-CCATCCGCGCCCGCACCTGCACGCCCCTCTCTGCGCCTCGGCTCAAGCTCACTCACCGGC[G>A]GCGCGTGCTGCGCGACGGCACAGCTGACGGCGGCAGCCAGGAGGACTAAGGCGACGCAAC-3'
Protein context (NP_808592.2, residues 15-35): AVSCAVAQHA[Pro25Leu]PWTEDCRKST